The following is an entry in ClinVar:

ClinVar aggregate classification (germline): Pathogenic (1 of 4 stars; one submission).

Allele frequency attached by ClinVar (database versions not stated): gnomAD exomes below 0.00001; gnomAD 0.00001; TOPMed 0.00001.

Submission:

Labcorp Genetics (formerly Invitae), Labcorp
Classification: Pathogenic. Last evaluated: 2022-08-07. Review status: criteria provided, single submitter. Criteria: Invitae Variant Classification Sherloc (09022015). Collection method: clinical testing. Allele origin: germline.
Comment: For these reasons, this variant has been classified as Pathogenic. Algorithms developed to predict the effect of sequence changes on RNA splicing suggest that this variant may disrupt the consensus splice site. This variant has not been reported in the literature in individuals affected with TMEM126A-related conditions. This variant is not present in population databases (gnomAD no frequency). This sequence change creates a premature translational stop signal (p.Ser88Lysfs*8) in the TMEM126A gene. It is expected to result in an absent or disrupted protein product. Loss-of-function variants in TMEM126A are known to be pathogenic (PMID: 19327736).

Literature cited by the submitters: PubMed 19327736.

NM_032273.4(TMEM126A):c.260dup (p.Ser88fs)

Gene: TMEM126A (transmembrane protein 126A; plus strand). Cytogenetic location: 11q14.1.
Variant type: Duplication.
Coding change: c.260dup on transcript NM_032273.4 (MANE Select); coding-DNA position 260, one base duplicated (T; older notation c.260dupT).
Protein change: p.Ser88fs; shifts the reading frame from serine 88.
Molecular consequence: frameshift variant.
Genome position (GRCh38, 1-based): chr11:85,654,236, T duplicated. VCF-style (leftmost placement, unchanged base first): chr11-85654235-G-GT. GRCh37 (hg19) VCF-style: chr11-85365279-G-GT.
Other names: c.50dup, p.Ser18fs (NM_001244735.2); short protein forms S88fs, S18fs.
Identifiers: ClinVar variation 1948482 (VCV001948482.5), dbSNP rs1343749498, ClinGen allele CA681227730.